The following is an entry in ClinVar:

ClinVar aggregate classification (germline): Uncertain significance. Review status: criteria provided, multiple submitters, no conflicts (2 of 4 stars). 5 submissions from 5 submitters: Uncertain significance (5). Last evaluated 2025-09-05.

Conditions:
Hyperkalemic periodic paralysis. Also called: Familial hyperkalemic periodic paralysis; Gamstorp disease. Identifiers: Orphanet 682, MedGen C0238357, MONDO:0008224, OMIM 170500, HP:0007215.
Congenital myasthenic syndrome 16. Identifiers: Orphanet 590, MedGen C3280112, MONDO:0013620, OMIM 614198.
Paramyotonia congenita of Von Eulenburg. Also called: Myotonia congenita intermittens; Von Eulenburg paramyotonia congenita; Paramyotonia Congenita; PARALYSIS PERIODICA PARAMYOTONICA; Eulenburg disease. Identifiers: Orphanet 684, MedGen C0221055, MONDO:0008195, OMIM 168300. Disease mechanism: loss of function.
Congenital myopathy 22A, classic (CMYO22A). Identifiers: MedGen C5830453, MONDO:0957247, OMIM 620351.
Congenital myopathy 22B, severe fetal (CMYO22B). Identifiers: MedGen C5830501, MONDO:0957265, OMIM 620369.
Hypokalemic periodic paralysis, type 2 (HOKPP2). Identifiers: Orphanet 681, MedGen C2750061, MONDO:0013234, OMIM 613345.
Potassium-aggravated myotonia. Also called: Myotonia congenita, atypical, acetazolamide-responsive; MYOTONIA CONGENITA, ACETAZOLAMIDE-RESPONSIVE; MYOTONIA CONGENITA, ATYPICAL; SODIUM CHANNEL MUSCLE DISEASE. Identifiers: Orphanet 612, Orphanet 99734, Orphanet 99735, Orphanet 99736, MedGen C2931826, MONDO:0018959, OMIM 608390.

Allele frequency attached by ClinVar (database versions not stated): gnomAD exomes 0.00004; ExAC 0.00001; gnomAD 0.00001; TOPMed 0.00003.
gnomAD v4.1: 39 of 1,613,890 alleles (0.0024%); highest among the groups gnomAD compares: East Asian, 0.033%; no homozygotes.

Submissions (5):

Labcorp Genetics (formerly Invitae), Labcorp
Classification: Uncertain significance for Hyperkalemic periodic paralysis. Last evaluated: 2025-09-05. Review status: criteria provided, single submitter. Criteria: Invitae Variant Classification Sherloc (09022015). Collection method: clinical testing. Allele origin: germline.
Comment: This sequence change replaces alanine, which is neutral and non-polar, with threonine, which is neutral and polar, at codon 1474 of the SCN4A protein (p.Ala1474Thr). This variant is present in population databases (rs778417596, gnomAD 0.03%). This missense change has been observed in individual(s) with congenital myopathy (PMID: 38187266). ClinVar contains an entry for this variant (Variation ID: 586520). Invitae Evidence Modeling of protein sequence and biophysical properties (such as structural, functional, and spatial information, amino acid conservation, physicochemical variation, residue mobility, and thermodynamic stability) has been performed for this missense variant. However, the output from this modeling did not meet the statistical confidence thresholds required to predict the impact of this variant on SCN4A protein function. In summary, the available evidence is currently insufficient to determine the role of this variant in disease. Therefore, it has been classified as a Variant of Uncertain Significance.

Revvity Omics, Revvity
Classification: Uncertain significance. Last evaluated: 2024-11-13. Review status: criteria provided, single submitter. Criteria: ACMG Guidelines, 2015. Collection method: clinical testing. Allele origin: germline.

Fulgent Genetics
Classification: Uncertain significance for Paramyotonia congenita of Von Eulenburg; Hyperkalemic periodic paralysis; Potassium-aggravated myotonia; Hypokalemic periodic paralysis, type 2; Congenital myasthenic syndrome 16; Congenital myopathy 22A, classic; Congenital myopathy 22B, severe fetal. Last evaluated: 2024-03-12. Review status: criteria provided, single submitter. Criteria: ACMG Guidelines, 2015. Collection method: clinical testing. Allele origin: germline.

Illumina Laboratory Services, Illumina
Classification: Uncertain significance. Last evaluated: 2022-11-30. Review status: criteria provided, single submitter. Criteria: ICSL CNVClassificationCriteria Aug2020. Collection method: clinical testing. Allele origin: unknown. Affected: yes.
Comment: The SCN4A c.4420G>A (p.Ala1474Thr) missense variant results in the substitution of alanine at amino acid position 1474 with threonine. The c.4420G>A variant has been reported in a heterozygous state in one individual who was presumed to be affected, however, no clinical information was provided (PMID: 33726816). This variant is reported in the Genome Aggregation Database in eight alleles at a frequency of 0.000436 in the East Asian population (version 2.1.1). Multiple lines of computational evidence suggest the variant may have a deleterious effect on the gene or gene product. Based on the available evidence, the c.4420G>A (p.Ala1474Thr) variant is classified as a variant of uncertain significance for SCN4A-related channelopathies.

Athena Diagnostics
Classification: Uncertain significance. Last evaluated: 2018-06-06. Review status: criteria provided, single submitter. Criteria: Athena Diagnostics Criteria. Collection method: clinical testing. Allele origin: germline.

Literature cited by the submitters: PubMed 38187266 (cited by Labcorp Genetics (formerly Invitae), Labcorp); PubMed 33726816 (cited by Illumina Laboratory Services, Illumina).

NM_000334.4(SCN4A):c.4420G>A (p.Ala1474Thr)

Genes: GH-LCR (growth hormone locus control region; plus strand), SCN4A (sodium voltage-gated channel alpha subunit 4; minus strand). Cytogenetic location: 17q23.3.
Variant type: single nucleotide variant.
Coding change: c.4420G>A on transcript NM_000334.4 (MANE Select); coding-DNA position 4420, G replaced by A.
Protein change: p.Ala1474Thr; replaces alanine 1474 with threonine.
Molecular consequence: missense variant.
Genome position (GRCh38, 1-based): chr17:63,941,862, C>T on the plus strand (G>A on the coding strand, the complement: SCN4A is on the minus strand). VCF-style: chr17-63941862-C-T. GRCh37 (hg19) VCF-style: chr17-62019222-C-T.
Other names: short protein forms A1474T.
Identifiers: ClinVar variation 586520 (VCV000586520.14), dbSNP rs778417596, ClinGen allele CA8708964.